The following is an entry in ClinVar:

NM_001853.4(COL9A3):c.968G>A (p.Arg323His)

Gene: COL9A3 (collagen type IX alpha 3 chain; plus strand). Cytogenetic location: 20q13.33.
Variant type: single nucleotide variant.
Coding change: c.968G>A on transcript NM_001853.4 (MANE Select); coding-DNA position 968, G replaced by A.
Protein change: p.Arg323His; replaces arginine 323 with histidine.
Molecular consequence: missense variant.
Genome position (GRCh38, 1-based): chr20:62,828,936, G>A. VCF-style: chr20-62828936-G-A. GRCh37 (hg19) VCF-style: chr20-61460288-G-A.
Other names: c.968G>A (NM_001853.3); short protein forms R323H.
Identifiers: ClinVar variation 1981466 (VCV001981466.5), dbSNP rs761170700, ClinGen allele CA9949644.

ClinVar aggregate classification (germline): Uncertain significance. Review status: criteria provided, multiple submitters, no conflicts (2 of 4 stars). 2 submissions from 2 submitters: Uncertain significance (2). Last evaluated 2025-09-15.

gnomAD v4.1: 18 of 1,611,550 alleles (0.0011%); highest among the groups gnomAD compares: Middle Eastern, 0.017%; no homozygotes.

Submissions (2):

Labcorp Genetics (formerly Invitae), Labcorp
Classification: Uncertain significance. Last evaluated: 2025-09-15. Review status: criteria provided, single submitter. Criteria: Invitae Variant Classification Sherloc (09022015). Collection method: clinical testing. Allele origin: germline.
Comment: This sequence change replaces arginine, which is basic and polar, with histidine, which is basic and polar, at codon 323 of the COL9A3 protein (p.Arg323His). This variant is present in population databases (rs761170700, gnomAD 0.007%). This variant has not been reported in the literature in individuals affected with COL9A3-related conditions. ClinVar contains an entry for this variant (Variation ID: 1981466). Invitae Evidence Modeling of protein sequence and biophysical properties (such as structural, functional, and spatial information, amino acid conservation, physicochemical variation, residue mobility, and thermodynamic stability) indicates that this missense variant is not expected to disrupt COL9A3 protein function with a negative predictive value of 95%. In summary, the available evidence is currently insufficient to determine the role of this variant in disease. Therefore, it has been classified as a Variant of Uncertain Significance.

GeneDx
Classification: Uncertain significance. Last evaluated: 2024-02-01. Review status: criteria provided, single submitter. Criteria: GeneDx Variant Classification Process June 2021. Collection method: clinical testing. Allele origin: germline. Affected: yes.
Comment: Has not been previously published as pathogenic or benign to our knowledge; Not observed at significant frequency in large population cohorts (gnomAD); In silico analysis supports that this missense variant does not alter protein structure/function